The following is an entry in ClinVar:

NM_002473.6(MYH9):c.2618C>T (p.Thr873Met)

Gene: MYH9 (myosin heavy chain 9; minus strand). Cytogenetic location: 22q12.3.
Variant type: single nucleotide variant.
Coding change: c.2618C>T on transcript NM_002473.6 (MANE Select); coding-DNA position 2618, C replaced by T.
Protein change: p.Thr873Met; replaces threonine 873 with methionine.
Molecular consequence: missense variant.
Genome position (GRCh38, 1-based): chr22:36,301,547, G>A on the plus strand (C>T on the coding strand, the complement: MYH9 is on the minus strand). VCF-style: chr22-36301547-G-A. GRCh37 (hg19) VCF-style: chr22-36697593-G-A.
Other names: short protein forms T873M.
Identifiers: ClinVar variation 1254859 (VCV001254859.9), dbSNP rs763516009, ClinGen allele CA10209922.

ClinVar aggregate classification (germline): Conflicting classifications of pathogenicity. Review status: criteria provided, conflicting classifications (1 of 4 stars). 4 submissions from 4 submitters: Uncertain significance (2); Benign (1); Likely benign (1). Last evaluated 2025-08-10.

Conditions:
Inborn genetic diseases. Identifiers: MedGen C0950123, MeSH D030342.
Autosomal dominant nonsyndromic hearing loss 17. Also called: Autosomal dominant nonsyndromic deafness 17; Deafness, autosomal dominant 17. Identifiers: Orphanet 90635, MedGen C1863659, MONDO:0011350, OMIM 603622.
Macrothrombocytopenia and granulocyte inclusions with or without nephritis or sensorineural hearing loss (MATINS). Also called: MACROTHROMBOCYTOPENIA WITH LEUKOCYTE INCLUSIONS; SEBASTIAN PLATELET SYNDROME; MACROTHROMBOCYTOPENIA WITH DISPERSED LEUKOCYTIC INCLUSIONS; MACROTHROMBOCYTOPENIA, NEPHRITIS, AND DEAFNESS; MACROTHROMBOCYTOPENIA, NEPHRITIS, DEAFNESS, AND LEUKOCYTE INCLUSIONS; ALPORT SYNDROME WITH MACROTHROMBOCYTOPENIA. Identifiers: Orphanet 182050, MedGen C5200934, MONDO:0015912, OMIM 155100.

Allele frequency attached by ClinVar (database versions not stated): gnomAD 0.00001; gnomAD exomes 0.00001 and 0.00003; TOPMed 0.00001; ExAC 0.00004.
gnomAD v4.1: 23 of 1,613,522 alleles (0.0014%); highest among the groups gnomAD compares: Admixed American, 0.015%; no homozygotes.

Submissions (4):

Ambry Genetics
Classification: Likely benign for Inborn genetic diseases. Last evaluated: 2025-08-10. Review status: criteria provided, single submitter. Criteria: Ambry Variant Classification Scheme 2023. Collection method: clinical testing. Allele origin: germline.

Labcorp Genetics (formerly Invitae), Labcorp
Classification: Benign. Last evaluated: 2024-10-31. Review status: criteria provided, single submitter. Criteria: Invitae Variant Classification Sherloc (09022015). Collection method: clinical testing. Allele origin: germline.

Fulgent Genetics
Classification: Uncertain significance for Macrothrombocytopenia and granulocyte inclusions with or without nephritis or sensorineural hearing loss; Autosomal dominant nonsyndromic hearing loss 17. Last evaluated: 2024-05-22. Review status: criteria provided, single submitter. Criteria: ACMG Guidelines, 2015. Collection method: clinical testing. Allele origin: germline.

GeneDx
Classification: Uncertain significance. Last evaluated: 2022-04-19. Review status: criteria provided, single submitter. Criteria: GeneDx Variant Classification Process June 2021. Collection method: clinical testing. Allele origin: germline. Affected: yes.
Comment: In silico analysis, which includes protein predictors and evolutionary conservation, supports that this variant does not alter protein structure/function; Has not been previously published as pathogenic or benign to our knowledge